The following is an entry in ClinVar:

ClinVar aggregate classification (germline): Uncertain significance. Review status: criteria provided, multiple submitters, no conflicts (2 of 4 stars). 2 submissions from 2 submitters: Uncertain significance (2). Last evaluated 2025-06-10.

Conditions:
Developmental and epileptic encephalopathy, 42 (DEE42A). Also called: Epileptic encephalopathy, early infantile, 42; DEVELOPMENTAL AND EPILEPTIC ENCEPHALOPATHY 42A; EPILEPTIC ENCEPHALOPATHY, EARLY INFANTILE, 42A. Identifiers: MedGen C4310716, MONDO:0014917, OMIM 617106.
Episodic ataxia type 2 (EA2). Also called: ACETAZOLAMIDE-RESPONSIVE HEREDITARY PAROXYSMAL CEREBELLAR ATAXIA; ATAXIA, EPISODIC, WITH NYSTAGMUS; ATAXIA, FAMILIAL PAROXYSMAL; CEREBELLAR ATAXIA, PAROXYSMAL, ACETAZOLAMIDE-RESPONSIVE; CEREBELLOPATHY, HEREDITARY PAROXYSMAL; EPISODIC ATAXIA, NYSTAGMUS-ASSOCIATED. Identifiers: Orphanet 97, MedGen C1720416, MONDO:0007163, OMIM 108500.

Submissions (2):

GeneDx
Classification: Uncertain significance. Last evaluated: 2025-06-10. Review status: criteria provided, single submitter. Criteria: GeneDx Variant Classification Process June 2021. Collection method: clinical testing. Allele origin: germline. Affected: yes.
Comment: Not observed at significant frequency in large population cohorts (gnomAD); In-frame duplication of 3 amino acid(s) in a non-repeat region; Has not been previously published as pathogenic or benign to our knowledge

Labcorp Genetics (formerly Invitae), Labcorp
Classification: Uncertain significance for Developmental and epileptic encephalopathy, 42; Episodic ataxia type 2. Last evaluated: 2025-04-01. Review status: criteria provided, single submitter. Criteria: Invitae Variant Classification Sherloc (09022015). Collection method: clinical testing. Allele origin: germline.
Comment: This variant, c.2924_2932dup, results in the insertion of 3 amino acid(s) of the CACNA1A protein (p.Glu975_Arg977dup), but otherwise preserves the integrity of the reading frame. This variant is not present in population databases (gnomAD no frequency). This variant has not been reported in the literature in individuals affected with CACNA1A-related conditions. In summary, the available evidence is currently insufficient to determine the role of this variant in disease. Therefore, it has been classified as a Variant of Uncertain Significance.

NM_001127222.2(CACNA1A):c.2921_2929dup (p.Arg976_Ala977insGluArgArg)

Gene: CACNA1A (calcium voltage-gated channel subunit alpha1 A; minus strand). Cytogenetic location: 19p13.13.
Variant type: Duplication.
Coding change: c.2921_2929dup on transcript NM_001127222.2 (MANE Select); coding-DNA positions 2921 to 2929, 9 bases duplicated (AGCGGAGGG; older notation c.2921_2929dupAGCGGAGGG).
Protein change: p.Arg976_Ala977insGluArgArg.
Molecular consequence: inframe indel (on NM_001127221.1).
Genome position (GRCh38, 1-based): chr19:13,298,704-13,298,712, CCCTCCGCT duplicated on the plus strand (AGCGGAGGG on the coding strand, the reverse complement: CACNA1A is on the minus strand); duplicating any 9 consecutive bases within chr19:13,298,704-13,298,714 gives the same sequence; the c. name uses the placement nearest the transcript's 3' end. VCF-style (leftmost placement, unchanged base first): chr19-13298703-G-GCCCTCCGCT. GRCh37 (hg19) VCF-style: chr19-13409517-G-GCCCTCCGCT.
Other names: c.2933_2941dup, p.Arg980_Ala981insGluArgArg (NM_000068.4, NM_023035.3); c.2924_2932dup, p.Arg977_Ala978insGluArgArg (NM_001127221.2, NM_001174080.2); c.2924_2932dup (NM_001127221.1).
Identifiers: ClinVar variation 4538063 (VCV004538063.2).